The following is an entry in ClinVar:

NM_001042492.3(NF1):c.5141A>C (p.Lys1714Thr)

Gene: NF1 (neurofibromin 1; plus strand). Cytogenetic location: 17q11.2.
Variant type: single nucleotide variant.
Coding change: c.5141A>C on transcript NM_001042492.3 (MANE Select); coding-DNA position 5141, A replaced by C.
Protein change: p.Lys1714Thr; replaces lysine 1714 with threonine.
Molecular consequence: missense variant.
Genome position (GRCh38, 1-based): chr17:31,326,125, A>C. VCF-style: chr17-31326125-A-C. GRCh37 (hg19) VCF-style: chr17-29653143-A-C.
Other names: c.5078A>C, p.Lys1693Thr (NM_000267.4); short protein forms K1693T, K1714T.
Identifiers: ClinVar variation 946296 (VCV000946296.7), dbSNP rs2069334864, ClinGen allele CA399007788.

ClinVar aggregate classification (germline): Uncertain significance. Review status: criteria provided, multiple submitters, no conflicts (2 of 4 stars). 2 submissions from 2 submitters: Uncertain significance (2). Last evaluated 2023-09-06.

Conditions:
Hereditary cancer-predisposing syndrome. Also called: Neoplastic Syndromes, Hereditary; Hereditary neoplastic syndrome; Hereditary Cancer Syndrome; Tumor predisposition. Identifiers: Orphanet 140162, MedGen C0027672, MeSH D009386, MONDO:0015356.
Cardiovascular phenotype. Identifiers: MedGen CN230736.
Neurofibromatosis, type 1 (NF1). Also called: Peripheral type neurofibromatosis; Neurofibromatosis, type I; VON RECKLINGHAUSEN DISEASE; NEUROFIBROMATOSIS, TYPE I, SOMATIC. Identifiers: Orphanet 636, MedGen C0027831, MONDO:0018975, OMIM 162200. Disease mechanism: loss of function.

Submissions (2):

Ambry Genetics
Classification: Uncertain significance for Cardiovascular phenotype; Hereditary cancer-predisposing syndrome. Last evaluated: 2023-09-06. Review status: criteria provided, single submitter. Criteria: Ambry Variant Classification Scheme 2023. Collection method: clinical testing. Allele origin: germline.
Comment: The p.K1693T variant (also known as c.5078A>C), located in coding exon 36 of the NF1 gene, results from an A to C substitution at nucleotide position 5078. The lysine at codon 1693 is replaced by threonine, an amino acid with similar properties. This amino acid position is well conserved in available vertebrate species. In addition, the in silico prediction for this alteration is inconclusive. Since supporting evidence is limited at this time, the clinical significance of this alteration remains unclear.

Labcorp Genetics (formerly Invitae), Labcorp
Classification: Uncertain significance for Neurofibromatosis, type 1. Last evaluated: 2019-06-27. Review status: criteria provided, single submitter. Criteria: Invitae Variant Classification Sherloc (09022015). Collection method: clinical testing. Allele origin: germline.
Comment: Algorithms developed to predict the effect of missense changes on protein structure and function (SIFT, PolyPhen-2, Align-GVGD) all suggest that this variant is likely to be tolerated, but these predictions have not been confirmed by published functional studies and their clinical significance is uncertain. This variant has not been reported in the literature in individuals with NF1-related conditions. This variant is not present in population databases (ExAC no frequency). This sequence change replaces lysine with threonine at codon 1693 of the NF1 protein (p.Lys1693Thr). The lysine residue is moderately conserved and there is a moderate physicochemical difference between lysine and threonine. In summary, the available evidence is currently insufficient to determine the role of this variant in disease. Therefore, it has been classified as a Variant of Uncertain Significance.